The following is an entry in ClinVar:

ClinVar aggregate classification (germline): Uncertain significance (1 of 4 stars; one submission).

Submission:

Labcorp Genetics (formerly Invitae), Labcorp
Classification: Uncertain significance. Last evaluated: 2021-06-25. Review status: criteria provided, single submitter. Criteria: Invitae Variant Classification Sherloc (09022015). Collection method: clinical testing. Allele origin: germline.
Comment: In summary, the available evidence is currently insufficient to determine the role of this variant in disease. Therefore, it has been classified as a Variant of Uncertain Significance. Experimental studies and prediction algorithms are not available or were not evaluated, and the functional significance of this variant is currently unknown. This variant has been observed in individual(s) with Usher syndrome (Invitae). This variant results in a copy number gain of the genomic region encompassing exon(s) 54-55 of the CDH23 gene. While the exact position of this variant cannot be determined from the data, sub-genic copy number gains are generally in tandem (PMID: 25640679). This variant is predicted to be in-frame, and likely preserves the integrity of the reading frame.

Literature cited by the submitters: PubMed 25640679.

NC_000010.10:g.(?_73562635)_(73563197_?)dup

Gene: CDH23 (cadherin related 23; plus strand). Cytogenetic location: 10q22.1.
Variant type: Duplication.
Identifiers: ClinVar variation 1412323 (VCV001412323.6).